The following is an entry in ClinVar:

ClinVar aggregate classification (germline): Uncertain significance (1 of 4 stars; one submission).

Conditions:
Hereditary cancer-predisposing syndrome. Also called: Tumor predisposition; Hereditary Cancer Syndrome; Hereditary neoplastic syndrome; Neoplastic Syndromes, Hereditary. Identifiers: Orphanet 140162, MedGen C0027672, MeSH D009386, MONDO:0015356.

Submission:

Ambry Genetics
Classification: Uncertain significance for Hereditary cancer-predisposing syndrome. Last evaluated: 2026-08-14. Review status: criteria provided, single submitter. Criteria: Ambry Variant Classification Scheme 2023. Collection method: clinical testing. Allele origin: germline.
Comment: The p.R741P variant (also known as c.2222G>C), located in coding exon 22 of the RB1 gene, results from a G to C substitution at nucleotide position 2222. The arginine at codon 741 is replaced by proline, an amino acid with dissimilar properties. This amino acid position is conserved. In addition, this alteration is predicted to be deleterious by in silico analysis. Based on the available evidence, the clinical significance of this variant remains unclear.

NM_000321.3(RB1):c.2222G>C (p.Arg741Pro)

Gene: RB1 (RB transcriptional corepressor 1; plus strand). Cytogenetic location: 13q14.2.
Variant type: single nucleotide variant.
Coding change: c.2222G>C on transcript NM_000321.3 (MANE Select); coding-DNA position 2222, G replaced by C.
Protein change: p.Arg741Pro; replaces arginine 741 with proline.
Molecular consequence: missense variant.
Genome position (GRCh38, 1-based): chr13:48,465,008, G>C. VCF-style: chr13-48465008-G-C. GRCh37 (hg19) VCF-style: chr13-49039144-G-C.
Other names: c.2222G>C, p.Arg741Pro (NM_001407165.1); short protein forms R741P.
Identifiers: ClinVar variation 3430931 (VCV003430931.2).